The following is an entry in ClinVar:

NM_003848.4(SUCLG2):c.943G>A (p.Ala315Thr)

Gene: SUCLG2 (succinate-CoA ligase GDP-forming subunit beta; minus strand). Cytogenetic location: 3p14.1.
Variant type: single nucleotide variant.
Coding change: c.943G>A on transcript NM_003848.4 (MANE Select); coding-DNA position 943, G replaced by A.
Protein change: p.Ala315Thr; replaces alanine 315 with threonine.
Molecular consequence: missense variant.
Genome position (GRCh38, 1-based): chr3:67,495,917, C>T on the plus strand (G>A on the coding strand, the complement: SUCLG2 is on the minus strand). VCF-style: chr3-67495917-C-T. GRCh37 (hg19) VCF-style: chr3-67546341-C-T.
Other names: c.943G>A, p.Ala315Thr (NM_001177599.2); short protein forms A315T.
Identifiers: ClinVar variation 3680989 (VCV003680989.2).

ClinVar aggregate classification (germline): Uncertain significance (1 of 4 stars; one submission).

gnomAD v4.1: 1 of 1,613,962 alleles (0.000062%); highest among the groups gnomAD compares: Non-Finnish European, 0.000085%; no homozygotes.

Submission:

Labcorp Genetics (formerly Invitae), Labcorp
Classification: Uncertain significance. Last evaluated: 2025-01-08. Review status: criteria provided, single submitter. Criteria: Invitae Variant Classification Sherloc (09022015). Collection method: clinical testing. Allele origin: germline.
Comment: This sequence change replaces alanine, which is neutral and non-polar, with threonine, which is neutral and polar, at codon 315 of the SUCLG2 protein (p.Ala315Thr). This variant is not present in population databases (gnomAD no frequency). This variant has not been reported in the literature in individuals affected with SUCLG2-related conditions. An algorithm developed to predict the effect of missense changes on protein structure and function (PolyPhen-2) suggests that this variant is likely to be disruptive. In summary, the available evidence is currently insufficient to determine the role of this variant in disease. Therefore, it has been classified as a Variant of Uncertain Significance.